The following is an entry in ClinVar:

ClinVar aggregate classification (germline): Benign (0 of 4 stars; one submission).

Conditions:
COL15A1-related disorder. Also called: COL15A1-related condition.

Allele frequency attached by ClinVar (database versions not stated): ExAC 0.19324; ESP Exome Variant Server 0.20975; TOPMed 0.21918; 1000 Genomes Project 0.24481; 1000 Genomes Project 30x 0.24641.

Submission:

PreventionGenetics, part of Exact Sciences
Classification: Benign for COL15A1-related condition. Last evaluated: 2019-10-21. Review status: no assertion criteria provided. Collection method: clinical testing. Allele origin: germline.
Comment: This variant is classified as benign based on ACMG/AMP sequence variant interpretation guidelines (Richards et al. 2015 PMID: 25741868, with internal and published modifications).

NM_001855.5(COL15A1):c.488G>A (p.Arg163His)

Gene: COL15A1 (collagen type XV alpha 1 chain; plus strand). Cytogenetic location: 9q22.33.
Variant type: single nucleotide variant.
Coding change: c.488G>A on transcript NM_001855.5 (MANE Select); coding-DNA position 488, G replaced by A.
Protein change: p.Arg163His; replaces arginine 163 with histidine.
Molecular consequence: missense variant.
Genome position (GRCh38, 1-based): chr9:98,985,952, G>A. VCF-style: chr9-98985952-G-A. GRCh37 (hg19) VCF-style: chr9-101748234-G-A.
Other names: short protein forms R163H.
Identifiers: ClinVar variation 3060205 (VCV003060205.2), dbSNP rs2075662, ClinGen allele CA5154555.